The following is an entry in ClinVar:

NM_014363.6(SACS):c.1190_1191insA (p.Ser397fs)

Gene: SACS (sacsin molecular chaperone; minus strand). Cytogenetic location: 13q12.12.
Variant type: Insertion.
Coding change: c.1190_1191insA on transcript NM_014363.6 (MANE Select); coding-DNA positions 1190 to 1191, A inserted.
Protein change: p.Ser397fs; shifts the reading frame from serine 397.
Molecular consequence: frameshift variant.
Genome position: GRCh38 VCF-style: chr13-23355421-A-AT. GRCh37 (hg19) VCF-style: chr13-23929560-A-AT.
Other names: c.749_750insA, p.Ser250fs (NM_001278055.2); short protein forms S250fs, S397fs.
Identifiers: ClinVar variation 3242489 (VCV003242489.1).
Genomic context (GRCh38, chr13:23,355,421, plus strand): 5'-GACAAATTTCAGTTCATCAGCTAAAGAGTCAAGCTTACTACTGATCCCTCGCCCACCCAC[A>AT]CTGTTACACACCAACCAAGATGTTTTCTGTGCATCCTTAGTACTCTCCTCTTCTAAAACA-3'

ClinVar aggregate classification (germline): Likely pathogenic (1 of 4 stars; one submission).

Conditions:
Charlevoix-Saguenay spastic ataxia (SACS). Also called: AUTOSOMAL RECESSIVE SPASTIC ATAXIA OF CHARLEVOIX-SAGUENAY; Spastic ataxia of Charlevoix-Saguenay; SPASTIC ATAXIA 6, AUTOSOMAL RECESSIVE. Identifiers: Orphanet 98, MedGen C1849140, MONDO:0010041, OMIM 270550.

Submission:

PROSPAX: an integrated multimodal progression  chart in spastic ataxias, Center for Neurology; Hertie-Institute for Clinical Brain Research
Classification: Likely pathogenic for Charlevoix-Saguenay spastic ataxia. Last evaluated: 2022-01-01. Review status: criteria provided, single submitter. Criteria: ACMG Guidelines, 2015. Collection method: research. Allele origin: germline. Affected: yes.
Comment: Variant seen in compound het: [c.8844delT;c.1190_1191insA]